The following is an entry in ClinVar:

ClinVar aggregate classification (germline): Uncertain significance (1 of 4 stars; one submission).

Conditions:
Hereditary sensory and autonomic neuropathy type 6. Also called: HSAN VI; Neuropathy, hereditary sensory and autonomic, type VI. Identifiers: Orphanet 314381, MedGen C3539003, MONDO:0013839, OMIM 614653.
Epidermolysis bullosa simplex 3, localized or generalized intermediate, with BP230 deficiency (EBS3). Also called: Epidermolysis bullosa simplex, autosomal recessive 2; Epidermolysis bullosa simplex due to BP230 deficiency. Identifiers: Orphanet 412181, MedGen C3809470, MONDO:0014180, OMIM 615425.

Allele frequency attached by ClinVar (database versions not stated): gnomAD exomes below 0.00001; TOPMed 0.00001; gnomAD 0.00003.
gnomAD v4.1: 5 of 1,613,838 alleles (0.00031%); highest among the groups gnomAD compares: African/African-American, 0.0067%; no homozygotes.

Submission:

Labcorp Genetics (formerly Invitae), Labcorp
Classification: Uncertain significance for Epidermolysis bullosa simplex 3, localized or generalized intermediate, with BP230 deficiency; Hereditary sensory and autonomic neuropathy type 6. Last evaluated: 2023-01-04. Review status: criteria provided, single submitter. Criteria: Invitae Variant Classification Sherloc (09022015). Collection method: clinical testing. Allele origin: germline.
Comment: The DST gene has multiple clinically relevant transcripts. This variant occurs in alternate transcript NM_015548.4, and corresponds to NM_001723.5:c.*63012A>G in the primary transcript. This sequence change affects codon 2806 of the DST mRNA. It is a 'silent' change, meaning that it does not change the encoded amino acid sequence of the DST protein. In summary, the available evidence is currently insufficient to determine the role of this variant in disease. Therefore, it has been classified as a Variant of Uncertain Significance. This variant has not been reported in the literature in individuals affected with DST-related conditions. This variant is present in population databases (no rsID available, gnomAD 0.05%).

NM_001374736.1(DST):c.16287A>G (p.Leu5429=)

Gene: DST (dystonin; minus strand). Cytogenetic location: 6p12.1.
Variant type: single nucleotide variant.
Coding change: c.16287A>G on transcript NM_001374736.1 (MANE Select); coding-DNA position 16287, A replaced by G.
Protein change: p.Leu5429=; no amino-acid change (leucine 5429 retained).
Molecular consequence: synonymous variant.
Genome position (GRCh38, 1-based): chr6:56,552,505, T>C on the plus strand (A>G on the coding strand, the complement: DST is on the minus strand). VCF-style: chr6-56552505-T-C. GRCh37 (hg19) VCF-style: chr6-56417303-T-C.
Other names: c.9930A>G, p.Leu3310= (NM_001144769.5); c.9516A>G, p.Leu3172= (NM_001144770.2); c.16287A>G, p.Leu5429= (NM_001374722.1); c.15654A>G, p.Leu5218= (NM_001374729.1); c.9396A>G, p.Leu3132= (NM_001374730.1, NM_001386100.1, NM_183380.4); c.16314A>G, p.Leu5438= (NM_001374734.1); c.8418A>G, p.Leu2806= (NM_015548.5).
Identifiers: ClinVar variation 2926669 (VCV002926669.3), dbSNP rs1014829562, ClinGen allele CA139206066.